The following is an entry in ClinVar:

ClinVar aggregate classification (germline): Uncertain significance (1 of 4 stars; one submission).

Submission:

Dasa
Classification: Uncertain significance. Last evaluated: 2024-05-22. Review status: criteria provided, single submitter. Criteria: DASA Assertion Criteria. Collection method: clinical testing. Allele origin: germline.
Comment: NM_000043.6(FAS):c.651+8T>G is a splice-region variant. This variant is rare in population databases. Computational prediction algorithms are consistent with a deleterious effect. The currently available literature and clinical evidence are not sufficient to establish a definitive association between this variant and the reported condition. Therefore, this variant is classified as a variant of uncertain significance.

NM_000043.6(FAS):c.651+8T>G

Gene: FAS (Fas cell surface death receptor; plus strand). Cytogenetic location: 10q23.31.
Variant type: single nucleotide variant.
Coding change: c.651+8T>G on transcript NM_000043.6 (MANE Select); 8 bases into the intron after coding-DNA position 651, T replaced by G.
Molecular consequence: intron variant.
Genome position (GRCh38, 1-based): chr10:89,012,089, T>G. VCF-style: chr10-89012089-T-G. GRCh37 (hg19) VCF-style: chr10-90771846-T-G.
Other names: c.651+8T>G (NM_152872.4); c.569-1254T>G (NM_001320619.2); c.588+8T>G (NM_152871.4); c.696+8T>G (NM_001410956.1).
Identifiers: ClinVar variation 4885591 (VCV004885591.2).